The following is an entry in ClinVar:

NM_016507.4(CDK12):c.373G>C (p.Ala125Pro)

Genes: CDK12 (cyclin dependent kinase 12; plus strand), LOC126862553 (CDK7 strongly-dependent group 2 enhancer GRCh37_chr17:37618166-37619365; plus strand). Cytogenetic location: 17q12.
Variant type: single nucleotide variant.
Coding change: c.373G>C on transcript NM_016507.4 (MANE Select); coding-DNA position 373, G replaced by C.
Protein change: p.Ala125Pro; replaces alanine 125 with proline.
Molecular consequence: missense variant.
Genome position (GRCh38, 1-based): chr17:39,462,444, G>C. VCF-style: chr17-39462444-G-C. GRCh37 (hg19) VCF-style: chr17-37618697-G-C.
Other names: c.373G>C, p.Ala125Pro (NM_015083.4); short protein forms A125P.
Identifiers: ClinVar variation 4224284 (VCV004224284.1).
Genomic context (GRCh38, chr17:39,462,444, plus strand): 5'-AGCGACCGCCTGCACAAACATCGTCACCACCAGCACAGGCGTTCCCGGGACTTACTAAAA[G>C]CTAAACAGACCGAAAAAGAAAAAAGCCAAGAAGTCTCCAGCAAGTCGGGATCGATGAAGG-3'
Protein context (NP_057591.2, residues 115-135): QHRRSRDLLK[Ala125Pro]KQTEKEKSQE

ClinVar aggregate classification (germline): Uncertain significance (1 of 4 stars; one submission).

Submission:

Ambry Genetics
Classification: Uncertain significance. Last evaluated: 2025-07-12. Review status: criteria provided, single submitter. Criteria: Ambry Variant Classification Scheme 2023. Collection method: clinical testing. Allele origin: germline.
Comment: The p.A125P variant (also known as c.373G>C), located in coding exon 1 of the CDK12 gene, results from a G to C substitution at nucleotide position 373. The alanine at codon 125 is replaced by proline, an amino acid with highly similar properties. This amino acid position is conserved. In addition, this alteration is predicted to be tolerated by in silico analysis. Based on the available evidence, the clinical significance of this variant remains unclear.